The following is an entry in ClinVar:

ClinVar aggregate classification (germline): Uncertain significance. Review status: criteria provided, multiple submitters, no conflicts (2 of 4 stars). 2 submissions from 2 submitters: Uncertain significance (2). Last evaluated 2024-10-08.

Conditions:
Cohen syndrome (COH1). Also called: Cutis verticis gyrata, retinitis pigmentosa, and sensorineural deafness; PEPPER SYNDROME. Identifiers: Orphanet 193, MedGen C0265223, MONDO:0008999, OMIM 216550.

gnomAD v4.1: 1 of 1,614,060 alleles (0.000062%); highest among the groups gnomAD compares: Admixed American, 0.0017%; no homozygotes.

Submissions (2):

Labcorp Genetics (formerly Invitae), Labcorp
Classification: Uncertain significance for Cohen syndrome. Last evaluated: 2024-10-08. Review status: criteria provided, single submitter. Criteria: Invitae Variant Classification Sherloc (09022015). Collection method: clinical testing. Allele origin: germline.
Comment: This sequence change falls in intron 54 of the VPS13B gene. It does not directly change the encoded amino acid sequence of the VPS13B protein. It affects a nucleotide within the consensus splice site. This variant is not present in population databases (gnomAD no frequency). This variant has not been reported in the literature in individuals affected with VPS13B-related conditions. ClinVar contains an entry for this variant (Variation ID: 2186990). Variants that disrupt the consensus splice site are a relatively common cause of aberrant splicing (PMID: 17576681, 9536098). Algorithms developed to predict the effect of sequence changes on RNA splicing suggest that this variant is not likely to affect RNA splicing. In summary, the available evidence is currently insufficient to determine the role of this variant in disease. Therefore, it has been classified as a Variant of Uncertain Significance.

Women's Health and Genetics/Laboratory Corporation of America, LabCorp
Classification: Uncertain significance. Last evaluated: 2024-08-31. Review status: criteria provided, single submitter. Criteria: LabCorp Variant Classification Summary - May 2015. Collection method: clinical testing. Allele origin: germline.

Literature cited by the submitters: PubMed 17576681 (cited by Labcorp Genetics (formerly Invitae), Labcorp); PubMed 9536098 (cited by Labcorp Genetics (formerly Invitae), Labcorp).

NM_152564.5(VPS13B):c.9942+4A>C

Gene: VPS13B (vacuolar protein sorting 13 homolog B; plus strand). Cytogenetic location: 8q22.2.
Variant type: single nucleotide variant.
Coding change: c.9942+4A>C on transcript NM_152564.5 (MANE Select); 4 bases into the intron after coding-DNA position 9942, A replaced by C.
Molecular consequence: intron variant.
Genome position (GRCh38, 1-based): chr8:99,835,742, A>C. VCF-style: chr8-99835742-A-C. GRCh37 (hg19) VCF-style: chr8-100847970-A-C.
Other names: c.10017+4A>C (NM_017890.5).
Identifiers: ClinVar variation 2186990 (VCV002186990.4), dbSNP rs772319548, ClinGen allele CA2580079320.